The following is an entry in ClinVar:

NM_016373.4(WWOX):c.410G>C (p.Gly137Ala)

Gene: WWOX (WW domain containing oxidoreductase; plus strand). Cytogenetic location: 16q23.1.
Variant type: single nucleotide variant.
Coding change: c.410G>C on transcript NM_016373.4 (MANE Select); coding-DNA position 410, G replaced by C.
Protein change: p.Gly137Ala; replaces glycine 137 with alanine.
Molecular consequence: missense variant. On other transcripts: non-coding transcript variant (1).
Genome position (GRCh38, 1-based): chr16:78,164,183, G>C. VCF-style: chr16-78164183-G-C. GRCh37 (hg19) VCF-style: chr16-78198080-G-C.
Other names: c.71G>C, p.Gly24Ala (NM_001291997.2); c.410G>C, p.Gly137Ala (NM_130791.5); short protein forms G137A, G24A.
Identifiers: ClinVar variation 956994 (VCV000956994.8), dbSNP rs761879076, ClinGen allele CA396841495.
Genomic context (GRCh38, chr16:78,164,183, plus strand): 5'-CAACATGACTCACTGTGTTGATGTTATGTTTTCTAACATTGACTTTCCTTTAAACCATAG[G>C]GTTCGAAACCGCCAAGTCTTTTGCCCTCCATGGTGCACATGTGATCTTGGCCTGCAGGAA-3'
Protein context (NP_057457.1, residues 127-147): VVVTGANSGI[Gly137Ala]FETAKSFALH

ClinVar aggregate classification (germline): Uncertain significance (1 of 4 stars; one submission).

Conditions:
Autosomal recessive spinocerebellar ataxia 12. Also called: SPINOCEREBELLAR ATAXIA WITH MENTAL RETARDATION AND EPILEPSY. Identifiers: Orphanet 284282, MedGen C3280452, MONDO:0013687, OMIM 614322.
Developmental and epileptic encephalopathy, 1 (DEE1). Also called: OHTAHARA SYNDROME, X-LINKED; INFANTILE SPASM SYNDROME, X-LINKED 1; X-linked infantile spasms; West's syndrome; Tonic spasms with clustering, arrest of psychomotor development and hypsarrhythmia on EEG; X-Linked Infantile Spasm Syndrome. Identifiers: MedGen C3463992, MONDO:0010632, OMIM 308350. Disease mechanism: loss of function.

Submission:

Labcorp Genetics (formerly Invitae), Labcorp
Classification: Uncertain significance for Developmental and epileptic encephalopathy, 1; Autosomal recessive spinocerebellar ataxia 12. Last evaluated: 2022-06-03. Review status: criteria provided, single submitter. Criteria: Invitae Variant Classification Sherloc (09022015). Collection method: clinical testing. Allele origin: germline.
Comment: Algorithms developed to predict the effect of sequence changes on RNA splicing suggest that this variant may disrupt the consensus splice site. This variant disrupts the p.Gly137 amino acid residue in WWOX. Other variant(s) that disrupt this residue have been determined to be pathogenic (PMID: 30356099). This suggests that this residue is clinically significant, and that variants that disrupt this residue are likely to be disease-causing. In summary, the available evidence is currently insufficient to determine the role of this variant in disease. Therefore, it has been classified as a Variant of Uncertain Significance. This sequence change replaces glycine, which is neutral and non-polar, with alanine, which is neutral and non-polar, at codon 137 of the WWOX protein (p.Gly137Ala). This variant is not present in population databases (gnomAD no frequency). This variant has not been reported in the literature in individuals affected with WWOX-related conditions. ClinVar contains an entry for this variant (Variation ID: 956994). Algorithms developed to predict the effect of missense changes on protein structure and function are either unavailable or do not agree on the potential impact of this missense change (SIFT: "Not Available"; PolyPhen-2: "Probably Damaging"; Align-GVGD: "Not Available").

Literature cited by the submitters: PubMed 30356099.